The following is an entry in ClinVar:

ClinVar aggregate classification (germline): Uncertain significance (1 of 4 stars; one submission).

gnomAD v4.1: 18 of 1,613,622 alleles (0.0011%); highest among the groups gnomAD compares: Admixed American, 0.018%; no homozygotes.

Submission:

Women's Health and Genetics/Laboratory Corporation of America, LabCorp
Classification: Uncertain significance. Last evaluated: 2025-11-05. Review status: criteria provided, single submitter. Criteria: LabCorp Variant Classification Summary - May 2015. Collection method: clinical testing. Allele origin: germline.
Comment: Variant summary: KIF5C c.1207G>A (p.Ala403Thr) results in a non-conservative amino acid change in the encoded protein sequence. Algorithms developed to predict the effect of missense changes on protein structure and function are either unavailable or do not agree on the potential impact of this missense change. The variant allele was found at a frequency of 4e-06 in 248526 control chromosomes. The available data on variant occurrences in the general population are insufficient to allow any conclusion about variant significance. To our knowledge, no occurrence of c.1207G>A in individuals affected with KIF5C-related conditions and no experimental evidence demonstrating its impact on protein function have been reported. No submitters have cited clinical-significance assessments for this variant to ClinVar. Based on the evidence outlined above, the variant was classified as uncertain significance.

NM_004522.3(KIF5C):c.1207G>A (p.Ala403Thr)

Gene: KIF5C (kinesin family member 5C; plus strand). Cytogenetic location: 2q23.1.
Variant type: single nucleotide variant.
Coding change: c.1207G>A on transcript NM_004522.3 (MANE Select); coding-DNA position 1207, G replaced by A.
Protein change: p.Ala403Thr; replaces alanine 403 with threonine.
Molecular consequence: missense variant. On other transcripts: non-coding transcript variant (1).
Genome position (GRCh38, 1-based): chr2:148,973,425, G>A. VCF-style: chr2-148973425-G-A. GRCh37 (hg19) VCF-style: chr2-149829939-G-A.
Other names: short protein forms A403T.
Identifiers: ClinVar variation 4537063 (VCV004537063.1).
Genomic context (GRCh38, chr2:148,973,425, plus strand): 5'-AGTGCCAAGGACCAGAAGAACCTGGAGCCTTGTGATAACACCCCCATCATAGACAATATT[G>A]CTCCTGTTGTTGCTGGCATCTCTACAGAGGAGAAAGAGAAGTACGATGAGGAGATCTCCA-3'
Protein context (NP_004513.1, residues 393-413): CDNTPIIDNI[Ala403Thr]PVVAGISTEE